The following is an entry in ClinVar:

NM_002439.5(MSH3):c.1281_1282delinsTT (p.Leu428Phe)

Gene: MSH3 (mutS homolog 3; plus strand). Cytogenetic location: 5q14.1.
Variant type: Indel.
Coding change: c.1281_1282delinsTT on transcript NM_002439.5 (MANE Select); coding-DNA positions 1281 to 1282, GC replaced by TT.
Protein change: p.Leu428Phe; replaces leucine 428 with phenylalanine.
Molecular consequence: missense variant.
Genome position (GRCh38, 1-based): chr5:80,679,034-80,679,035, GC replaced by TT. VCF-style: chr5-80679034-GC-TT. GRCh37 (hg19) VCF-style: chr5-79974853-GC-TT.
Other names: short protein forms L428F.
Identifiers: ClinVar variation 4743621 (VCV004743621.1).

ClinVar aggregate classification (germline): Uncertain significance (1 of 4 stars; one submission).

Submission:

Labcorp Genetics (formerly Invitae), Labcorp
Classification: Uncertain significance. Last evaluated: 2025-12-10. Review status: criteria provided, single submitter. Criteria: Invitae Variant Classification Sherloc (09022015). Collection method: clinical testing. Allele origin: germline.
Comment: This sequence change replaces leucine, which is neutral and non-polar, with phenylalanine, which is neutral and non-polar, at codon 428 of the MSH3 protein (p.Leu428Phe). Information on the frequency of this variant in the gnomAD database is not available, as this variant may be reported differently in the database. This variant has not been reported in the literature in individuals affected with MSH3-related conditions. Experimental studies and prediction algorithms are not available or were not evaluated, and the functional significance of this variant is currently unknown. In summary, the available evidence is currently insufficient to determine the role of this variant in disease. Therefore, it has been classified as a Variant of Uncertain Significance.